The following is an entry in ClinVar:

ClinVar aggregate classification (germline): Uncertain significance (1 of 4 stars; one submission).

Conditions:
Congenital disorder of glycosylation type 1E (CDG1E). Also called: CDG Ie; CONGENITAL DISORDER OF GLYCOSYLATION, TYPE Ie. Identifiers: Orphanet 79322, MedGen C1837396, MONDO:0012123, OMIM 608799.

Allele frequency attached by ClinVar (database versions not stated): gnomAD exomes below 0.00001.
gnomAD v4.1: 1 of 1,604,216 alleles (0.000062%); highest among the groups gnomAD compares: African/African-American, 0.0014%; no homozygotes.

Submission:

Labcorp Genetics (formerly Invitae), Labcorp
Classification: Uncertain significance for Congenital disorder of glycosylation type 1E. Last evaluated: 2022-07-19. Review status: criteria provided, single submitter. Criteria: Invitae Variant Classification Sherloc (09022015). Collection method: clinical testing. Allele origin: germline.
Comment: In summary, the available evidence is currently insufficient to determine the role of this variant in disease. Therefore, it has been classified as a Variant of Uncertain Significance. Algorithms developed to predict the effect of missense changes on protein structure and function are either unavailable or do not agree on the potential impact of this missense change (SIFT: "Tolerated"; PolyPhen-2: "Probably Damaging"; Align-GVGD: "Class C0"). ClinVar contains an entry for this variant (Variation ID: 1046123). This variant has not been reported in the literature in individuals affected with DPM1-related conditions. This variant is present in population databases (no rsID available, gnomAD 0.007%). This sequence change replaces aspartic acid, which is acidic and polar, with glycine, which is neutral and non-polar, at codon 233 of the DPM1 protein (p.Asp233Gly).

NM_003859.3(DPM1):c.698A>G (p.Asp233Gly)

Genes: ADNP-AS1 (ADNP antisense RNA 1; plus strand), DPM1 (dolichyl-phosphate mannosyltransferase subunit 1, catalytic; minus strand). Cytogenetic location: 20q13.13.
Variant type: single nucleotide variant.
Coding change: c.698A>G on transcript NM_003859.3 (MANE Select); coding-DNA position 698, A replaced by G.
Protein change: p.Asp233Gly; replaces aspartic acid 233 with glycine.
Molecular consequence: missense variant. On other transcripts: non-coding transcript variant (1).
Genome position (GRCh38, 1-based): chr20:50,935,217, T>C on the plus strand (A>G on the coding strand, the complement: DPM1 is on the minus strand). VCF-style: chr20-50935217-T-C. GRCh37 (hg19) VCF-style: chr20-49551754-T-C.
Other names: c.803A>G, p.Asp268Gly (NM_001317034.1); c.779A>G, p.Asp260Gly (NM_001317035.1); c.629A>G, p.Asp210Gly (NM_001317036.1); short protein forms D210G, D260G, D268G, D233G.
Identifiers: ClinVar variation 1046123 (VCV001046123.8), dbSNP rs1411036424, ClinGen allele CA408987188.
Genomic context (GRCh38, chr20:50,935,217, plus strand): 5'-AATCCTTTCAAGAAAGATACTATTTCATTTCCTCCCAACTTGGATTCACCATAAACACGA[T>C]CCACAAATGATATTGGAACCTAGTTTAAAAAAAAAAAAGTAACGTTAGTCTTTAAAAACA-3'
Protein context (NP_003850.1, residues 223-243): TIGEVPISFV[Asp233Gly]RVYGESKLGG